The following is an entry in ClinVar:

NM_000545.8(HNF1A):c.696dup (p.Val233fs)

Gene: HNF1A (HNF1 homeobox A; plus strand). Cytogenetic location: 12q24.31.
Variant type: Duplication.
Coding change: c.696dup on transcript NM_000545.8 (MANE Select); coding-DNA position 696, one base duplicated (A; older notation c.696dupA).
Protein change: p.Val233fs; shifts the reading frame from valine 233.
Molecular consequence: frameshift variant.
Genome position (GRCh38, 1-based): chr12:120,993,689, A duplicated. VCF-style (leftmost placement, unchanged base first): chr12-120993688-T-TA. GRCh37 (hg19) VCF-style: chr12-121431491-T-TA.
Other names: NM_001306179.1:c.696dup; c.696dup, p.Val233fs (NM_001306179.2); short protein forms V233fs.
Identifiers: ClinVar variation 1676709 (VCV001676709.3), dbSNP rs2135839892, ClinGen allele CA913203569.

ClinVar aggregate classification (germline): Likely pathogenic (3 of 4 stars; one submission).

Conditions:
Monogenic diabetes. Identifiers: Orphanet 183625, MedGen C3888631, MONDO:0015967.

Submission:

ClinGen Monogenic Diabetes Variant Curation Expert Panel
Classification: Likely pathogenic for Monogenic diabetes. Last evaluated: 2022-04-12. Review status: reviewed by expert panel. Criteria: ClinGen Diabetes ACMG Specifications v1 1. Collection method: curation. Allele origin: germline. Inheritance: Autosomal dominant inheritance.
Comment: The c.696dup variant in the HNF1 homeobox A gene, HNF1A, causes a frameshift in the protein at codon 233 of NM_000545.8, adding 6 novel amino acids before encountering a stop codon (p.Val233SerfsTer6). This variant, located in biologically-relevant exon 3 of 10, is predicted to lead to nonsense mediated decay in a gene in which loss-of-function is an established disease mechanism (PVS1; PMID: 23348805). This variant is also absent from gnomAD v2.1.1 (PM2_Supporting). This variant was identified in two unrelated individuals with non-autoimmune and non-absolute/near-absolute insulin-deficient diabetes; however, PP4 cannot be applied because the MODY probability cannot be calculated due to lack of family history information, and PS4_Moderate cannot be applied because this number is below the ClinGen MDEP threshold (internal lab contributors). In summary, c.696dup meets the criteria to be classified as likely pathogenic for monogenic diabetes. ACMG/AMP criteria applied, as specified by the ClinGen MDEP (specification version 1.1, approved 9/30/2021): PVS1, PM2_Supporting.